The following is an entry in ClinVar:

ClinVar aggregate classification (germline): Benign. Review status: criteria provided, multiple submitters, no conflicts (2 of 4 stars). 13 submissions from 13 submitters: Benign (10). 3 of the submissions do not count toward it. Last evaluated 2026-02-04.

Conditions:
Agenesis of the corpus callosum with peripheral neuropathy (ACCPN). Also called: HMSN/ACC; Hereditary Motor and Sensory Neuropathy with Agenesis of the Corpus Callosum; POLYNEUROPATHY, SENSORIMOTOR, WITH OR WITHOUT AGENESIS OF THE CORPUS CALLOSUM; CHARLEVOIX DISEASE. Identifiers: Orphanet 1496, MedGen C0795950, MONDO:0000902, OMIM 218000. Disease mechanism: loss of function.

Allele frequency attached by ClinVar (database versions not stated): gnomAD 0.22884 and 0.23360; TOPMed 0.23203; ESP Exome Variant Server 0.23411; gnomAD exomes 0.24432 and 0.24728; ExAC 0.25109; 1000 Genomes Project 30x 0.27014; 1000 Genomes Project 0.27676.
gnomAD v4.1: 392,617 of 1,611,736 alleles (24%); highest among the groups gnomAD compares: South Asian, 34%; 48,847 homozygotes.

Submissions (13):

Labcorp Genetics (formerly Invitae), Labcorp
Classification: Benign. Last evaluated: 2026-02-04. Review status: criteria provided, single submitter. Criteria: Invitae Variant Classification Sherloc (09022015). Collection method: clinical testing. Allele origin: germline.

Blueprint Genetics
Classification: Benign. Last evaluated: 2024-11-27. Review status: criteria provided, single submitter. Criteria: ACMG Guidelines, 2015. Collection method: clinical testing. Allele origin: germline.

Genome-Nilou Lab
Classification: Benign for Agenesis of the corpus callosum with peripheral neuropathy. Last evaluated: 2021-07-10. Review status: criteria provided, single submitter. Criteria: ACMG Guidelines, 2015. Collection method: clinical testing. Allele origin: germline. Affected: no.

Women's Health and Genetics/Laboratory Corporation of America, LabCorp
Classification: Benign. Last evaluated: 2021-06-05. Review status: criteria provided, single submitter. Criteria: LabCorp Variant Classification Summary - May 2015. Collection method: clinical testing. Allele origin: germline.

Illumina Laboratory Services, Illumina
Classification: Benign for Agenesis of the corpus callosum with peripheral neuropathy. Last evaluated: 2018-01-13. Review status: criteria provided, single submitter. Criteria: ICSL Variant Classification Criteria 13 December 2019. Collection method: clinical testing. Allele origin: germline.
Comment: This variant was observed in the ICSL laboratory as part of a predisposition screen in an ostensibly healthy population. It had not been previously curated by ICSL or reported in the Human Gene Mutation Database (HGMD: prior to June 1st, 2018), and was therefore a candidate for classification through an automated scoring system. Utilizing variant allele frequency, disease prevalence and penetrance estimates, and inheritance mode, an automated score was calculated to assess if this variant is too frequent to cause the disease. Based on the score and internal cut-off values, a variant classified as benign is not then subjected to further curation. The score for this variant resulted in a classification of benign for this disease.

Mayo Clinic Laboratories, Mayo Clinic
Classification: Benign. Last evaluated: 2016-03-01. Review status: criteria provided, single submitter. Criteria: ACMG Guidelines, 2015. Collection method: clinical testing. Allele origin: germline. Observed: 995 variant alleles.

GeneDx
Classification: Benign. Last evaluated: 2015-03-03. Review status: criteria provided, single submitter. Criteria: GeneDx Variant Classification Process June 2021. Collection method: clinical testing. Allele origin: germline. Affected: yes.

Genetic Services Laboratory, University of Chicago
Classification: Benign. Last evaluated: 2013-02-08. Review status: criteria provided, single submitter. Criteria: ACMG Guidelines, 2007. Collection method: clinical testing. Allele origin: germline. Inheritance: Autosomal recessive inheritance.

Breakthrough Genomics
Classification: Benign. Review status: criteria provided, single submitter. Criteria: ACMG Guidelines, 2015. Collection method: not provided. Allele origin: germline. Inheritance: Autosomal recessive inheritance. Affected: yes.

PreventionGenetics, part of Exact Sciences
Classification: Benign. Review status: criteria provided, single submitter. Criteria: ACMG Guidelines, 2015. Collection method: clinical testing. Allele origin: germline.

Natera, Inc.
Classification: Benign for Andermann syndrome. Last evaluated: 2019-11-21. Review status: no assertion criteria provided. Collection method: clinical testing. Allele origin: germline. Not counted in ClinVar's aggregate classification.

Clinical Genetics, Academic Medical Center
Classification: Benign. Review status: no assertion criteria provided. Collection method: clinical testing. Allele origin: germline. Affected: yes. Study: VKGL Data-share Consensus. Not counted in ClinVar's aggregate classification.

Diagnostic Laboratory, Department of Genetics, University Medical Center Groningen
Classification: Benign for Agenesis of the corpus callosum with peripheral neuropathy. Review status: no assertion criteria provided. Collection method: clinical testing. Allele origin: germline. Affected: yes. Study: VKGL Data-share Consensus. Not counted in ClinVar's aggregate classification.

NM_001365088.1(SLC12A6):c.475C>T (p.Leu159=)

Gene: SLC12A6 (solute carrier family 12 member 6; minus strand). Cytogenetic location: 15q14.
Variant type: single nucleotide variant.
Coding change: c.475C>T on transcript NM_001365088.1 (MANE Select); coding-DNA position 475, C replaced by T.
Protein change: p.Leu159=; no amino-acid change (leucine 159 retained).
Molecular consequence: synonymous variant.
Genome position (GRCh38, 1-based): chr15:34,258,881, G>A on the plus strand (C>T on the coding strand, the complement: SLC12A6 is on the minus strand). VCF-style: chr15-34258881-G-A. GRCh37 (hg19) VCF-style: chr15-34551082-G-A.
Other names: p.Leu159=; c.298C>T, p.Leu100= (NM_001042494.2, NM_001042495.2); c.448C>T, p.Leu150= (NM_001042496.2); c.430C>T, p.Leu144= (NM_001042497.2); c.322C>T, p.Leu108= (NM_005135.2); c.475C>T, p.Leu159= (NM_133647.2).
Identifiers: ClinVar variation 159898 (VCV000159898.32), dbSNP rs7164902, ClinGen allele CA173450.